The following is an entry in ClinVar:

NM_007113.4(TCHH):c.1608A>G (p.Gln536=)

Gene: TCHH (trichohyalin; minus strand). Cytogenetic location: 1q21.3.
Variant type: single nucleotide variant.
Coding change: c.1608A>G on transcript NM_007113.4 (MANE Select); coding-DNA position 1608, A replaced by G.
Protein change: p.Gln536=; no amino-acid change (glutamine 536 retained).
Molecular consequence: synonymous variant.
Genome position (GRCh38, 1-based): chr1:152,111,609, T>C on the plus strand (A>G on the coding strand, the complement: TCHH is on the minus strand). VCF-style: chr1-152111609-T-C. GRCh37 (hg19) VCF-style: chr1-152084085-T-C.
Identifiers: ClinVar variation 2639193 (VCV002639193.24), dbSNP rs1240951590, ClinGen allele CA420918389.

ClinVar aggregate classification (germline): Likely benign (1 of 4 stars; one submission).

Allele frequency attached by ClinVar (database versions not stated): gnomAD exomes below 0.00001; 1000 Genomes Project 30x 0.00047.

Submission:

CeGaT Center for Human Genetics Tuebingen
Classification: Likely benign. Last evaluated: 2022-11-01. Review status: criteria provided, single submitter. Criteria: CeGaT Center For Human Genetics Tuebingen Variant Classification Criteria Version 2. Collection method: clinical testing. Allele origin: germline. Affected: yes. Observed: 1 variant allele.
Comment: TCHH: BP4, BP7